The following is an entry in ClinVar:

NM_031448.6(C19orf12):c.161-1G>T

Gene: C19orf12 (chromosome 19 open reading frame 12; minus strand). Cytogenetic location: 19q12.
Variant type: single nucleotide variant.
Coding change: c.161-1G>T on transcript NM_031448.6 (MANE Select); the canonical splice acceptor site of the intron before coding-DNA position 161, G replaced by T.
Molecular consequence: splice acceptor variant.
Genome position (GRCh38, 1-based): chr19:29,702,978, C>A on the plus strand (G>T on the coding strand, the complement: C19orf12 is on the minus strand). VCF-style: chr19-29702978-C-A. GRCh37 (hg19) VCF-style: chr19-30193885-C-A.
Other names: c.-32-1G>T (NM_001282929.1, NM_001282930.3, NM_001282931.3); c.161-1G>T (NM_001256047.2, NM_001256046.3, NM_001031726.4).
Identifiers: ClinVar variation 3637420 (VCV003637420.3).

ClinVar aggregate classification (germline): Uncertain significance (1 of 4 stars; one submission).

Conditions:
Hereditary spastic paraplegia 43. Also called: Spastic paraplegia 43, autosomal recessive. Identifiers: Orphanet 320370, MedGen C2680446, MONDO:0014024, OMIM 615043.

Submissions (2):

Labcorp Genetics (formerly Invitae), Labcorp
Classification: Uncertain significance for Hereditary spastic paraplegia 43. Last evaluated: 2024-03-27. Review status: criteria provided, single submitter. Criteria: Invitae Variant Classification Sherloc (09022015). Collection method: clinical testing. Allele origin: germline.
Comment: This sequence change falls in intron 2 of the C19orf12 gene. It does not directly change the encoded amino acid sequence of the C19orf12 protein. It affects a nucleotide within the consensus splice site. This variant is not present in population databases (gnomAD no frequency). This variant has not been reported in the literature in individuals affected with C19orf12-related conditions. Variants that disrupt the consensus splice site are a relatively common cause of aberrant splicing (PMID: 17576681, 9536098). Algorithms developed to predict the effect of sequence changes on RNA splicing suggest that this variant may disrupt the consensus splice site. In summary, the available evidence is currently insufficient to determine the role of this variant in disease. Therefore, it has been classified as a Variant of Uncertain Significance.

Dr. Peter K. Rogan Lab, Western University
No classification provided (evidence only). Condition: Squamous cell lung carcinoma. Review status: no classification provided. Collection method: in vitro. Allele origin: not applicable. Functional consequence: retained intron. Not counted in ClinVar's aggregate classification.

Literature cited by the submitters: PubMed 17576681 (cited by Labcorp Genetics (formerly Invitae), Labcorp); PubMed 9536098 (cited by Labcorp Genetics (formerly Invitae), Labcorp).